The following is an entry in ClinVar:

NM_000368.5(TSC1):c.1453G>T (p.Glu485Ter)

Gene: TSC1 (TSC complex subunit 1; minus strand). Cytogenetic location: 9q34.13.
Variant type: single nucleotide variant.
Coding change: c.1453G>T on transcript NM_000368.5 (MANE Select); coding-DNA position 1453, G replaced by T.
Protein change: p.Glu485Ter; replaces glutamic acid 485 with a stop codon.
Molecular consequence: nonsense.
Genome position (GRCh38, 1-based): chr9:132,906,125, C>A on the plus strand (G>T on the coding strand, the complement: TSC1 is on the minus strand). VCF-style: chr9-132906125-C-A. GRCh37 (hg19) VCF-style: chr9-135781512-C-A.
Other names: c.1450G>T, p.Glu484Ter (NM_001162426.2); c.1300G>T, p.Glu434Ter (NM_001162427.2); c.1090G>T, p.Glu364Ter (NM_001362177.2); short protein forms E485*, E364*, E484*, E434*.
Identifiers: ClinVar variation 572255 (VCV000572255.6), dbSNP rs1564482622, ClinGen allele CA375365570.

ClinVar aggregate classification (germline): Pathogenic (1 of 4 stars; one submission).

Conditions:
Tuberous sclerosis 1 (TSC1). Identifiers: Orphanet 805, MedGen C1854465, MONDO:0008612, OMIM 191100.

Submission:

Labcorp Genetics (formerly Invitae), Labcorp
Classification: Pathogenic for Tuberous sclerosis 1. Last evaluated: 2021-11-05. Review status: criteria provided, single submitter. Criteria: Invitae Variant Classification Sherloc (09022015). Collection method: clinical testing. Allele origin: germline.
Comment: This sequence change creates a premature translational stop signal (p.Glu485*) in the TSC1 gene. It is expected to result in an absent or disrupted protein product. Loss-of-function variants in TSC1 are known to be pathogenic (PMID: 10227394, 17304050). This variant is not present in population databases (gnomAD no frequency). This premature translational stop signal has been observed in individual(s) with clinical features of tuberous sclerosis (PMID: 29932062). ClinVar contains an entry for this variant (Variation ID: 572255). For these reasons, this variant has been classified as Pathogenic.

Literature cited by the submitters: PubMed 10227394; PubMed 17304050; PubMed 29932062.